The following is an entry in ClinVar:

ClinVar aggregate classification (germline): Uncertain significance. Review status: criteria provided, multiple submitters, no conflicts (2 of 4 stars). 2 submissions from 2 submitters: Uncertain significance (2). Last evaluated 2026-05-28.

Conditions:
Familial thoracic aortic aneurysm and aortic dissection (TAAD). Also called: Thoracic aortic aneurysms and dissections. Identifiers: Orphanet 91387, MedGen C4707243, MONDO:0019625.
Melnick-Needles syndrome (MNS). Also called: MELNICK-NEEDLES OSTEODYSPLASTY; OSTEODYSPLASTY OF MELNICK AND NEEDLES; Melnick-Needles Syndrome (FLNA-MNS). Identifiers: Orphanet 2484, MedGen C0025237, MONDO:0010650, OMIM 309350.
Oto-palato-digital syndrome, type II (OPD2). Also called: Otopalatodigital Syndrome, Type II; FACIOPALATOOSSEOUS SYNDROME; OPD II SYNDROME; Otopalatodigital Syndrome Type 2 (FLNA-OPD2). Identifiers: Orphanet 669, Orphanet 90652, MedGen C1844696, MONDO:0010571, OMIM 304120.
Frontometaphyseal dysplasia (FMD1). Identifiers: Orphanet 1826, MedGen C0265293, MONDO:0015942.
Heterotopia, periventricular, X-linked dominant (PVNH1). Also called: PERIVENTRICULAR NODULAR HETEROTOPIA 4; HETEROTOPIA, PERIVENTRICULAR, 1; PERIVENTRICULAR NODULAR HETEROTOPIA 1; X-linked periventricular heterotopia. Identifiers: Orphanet 2149, Orphanet 82004, MedGen C1848213, MONDO:0010233, OMIM 300049.

Allele frequency attached by ClinVar (database versions not stated): gnomAD exomes below 0.00001.
gnomAD v4.1: 1 of 1,211,046 alleles (0.000083%); highest among the groups gnomAD compares: Non-Finnish European, 0.00011%; no homozygotes.

Submissions (2):

Ambry Genetics
Classification: Uncertain significance for Familial thoracic aortic aneurysm and aortic dissection. Last evaluated: 2026-05-28. Review status: criteria provided, single submitter. Criteria: Ambry Variant Classification Scheme 2023. Collection method: clinical testing. Allele origin: germline.
Comment: The p.W2624L variant (also known as c.7871G>T), located in coding exon 46 of the FLNA gene, results from a G to T substitution at nucleotide position 7871. The tryptophan at codon 2624 is replaced by leucine, an amino acid with similar properties. This amino acid position is conserved. In addition, this alteration is predicted to be deleterious by in silico analysis. Based on the available evidence, the clinical significance of this variant remains unclear.

Labcorp Genetics (formerly Invitae), Labcorp
Classification: Uncertain significance for Oto-palato-digital syndrome, type II; Heterotopia, periventricular, X-linked dominant; Frontometaphyseal dysplasia; Melnick-Needles syndrome. Last evaluated: 2024-01-05. Review status: criteria provided, single submitter. Criteria: Invitae Variant Classification Sherloc (09022015). Collection method: clinical testing. Allele origin: germline.
Comment: This sequence change replaces tryptophan, which is neutral and slightly polar, with leucine, which is neutral and non-polar, at codon 2624 of the FLNA protein (p.Trp2624Leu). This variant is not present in population databases (gnomAD no frequency). This variant has not been reported in the literature in individuals affected with FLNA-related conditions. Advanced modeling of protein sequence and biophysical properties (such as structural, functional, and spatial information, amino acid conservation, physicochemical variation, residue mobility, and thermodynamic stability) performed at Invitae indicates that this missense variant is not expected to disrupt FLNA protein function with a negative predictive value of 95%. In summary, the available evidence is currently insufficient to determine the role of this variant in disease. Therefore, it has been classified as a Variant of Uncertain Significance.

NM_001110556.2(FLNA):c.7895G>T (p.Trp2632Leu)

Genes: FLNA (filamin A; minus strand), LOC107988032 (Xq28 proximal FLNA-EMD recombination region; plus strand). Cytogenetic location: Xq28.
Variant type: single nucleotide variant.
Coding change: c.7895G>T on transcript NM_001110556.2 (MANE Select); coding-DNA position 7895, G replaced by T.
Protein change: p.Trp2632Leu; replaces tryptophan 2632 with leucine.
Molecular consequence: missense variant.
Genome position (GRCh38, 1-based): chrX:154,348,898, C>A on the plus strand (G>T on the coding strand, the complement: FLNA is on the minus strand). VCF-style: chrX-154348898-C-A. GRCh37 (hg19) VCF-style: chrX-153577266-C-A.
Other names: c.7871G>T (NM_001456.3); c.7871G>T, p.Trp2624Leu (NM_001456.4); short protein forms W2624L, W2632L.
Identifiers: ClinVar variation 2936395 (VCV002936395.4), dbSNP rs2522711071, ClinGen allele CA415177235.